The following is an entry in ClinVar:

ClinVar aggregate classification (germline): Uncertain significance. Review status: criteria provided, multiple submitters, no conflicts (2 of 4 stars). 2 submissions from 2 submitters: Uncertain significance (2). Last evaluated 2025-02-13.

Conditions:
Inborn genetic diseases. Identifiers: MedGen C0950123, MeSH D030342.

Allele frequency attached by ClinVar (database versions not stated): gnomAD exomes below 0.00001; gnomAD 0.00001.
gnomAD v4.1: 2 of 1,203,187 alleles (0.00017%); highest among the groups gnomAD compares: African/African-American, 0.0018%; no homozygotes.

Submissions (2):

Ambry Genetics
Classification: Uncertain significance for Inborn genetic diseases. Last evaluated: 2025-02-13. Review status: criteria provided, single submitter. Criteria: Ambry Variant Classification Scheme 2023. Collection method: clinical testing. Allele origin: germline.

Labcorp Genetics (formerly Invitae), Labcorp
Classification: Uncertain significance. Last evaluated: 2024-07-10. Review status: criteria provided, single submitter. Criteria: Invitae Variant Classification Sherloc (09022015). Collection method: clinical testing. Allele origin: germline.
Comment: This sequence change replaces isoleucine, which is neutral and non-polar, with valine, which is neutral and non-polar, at codon 771 of the POLA1 protein (p.Ile771Val). This variant is not present in population databases (gnomAD no frequency). This variant has not been reported in the literature in individuals affected with POLA1-related conditions. ClinVar contains an entry for this variant (Variation ID: 1897395). Advanced modeling of protein sequence and biophysical properties (such as structural, functional, and spatial information, amino acid conservation, physicochemical variation, residue mobility, and thermodynamic stability) has been performed at Invitae for this missense variant, however the output from this modeling did not meet the statistical confidence thresholds required to predict the impact of this variant on POLA1 protein function. In summary, the available evidence is currently insufficient to determine the role of this variant in disease. Therefore, it has been classified as a Variant of Uncertain Significance.

NM_001330360.2(POLA1):c.2329A>G (p.Ile777Val)

Gene: POLA1 (DNA polymerase alpha 1, catalytic subunit; plus strand). Cytogenetic location: Xp22.11.
Variant type: single nucleotide variant.
Coding change: c.2329A>G on transcript NM_001330360.2 (MANE Select); coding-DNA position 2329, A replaced by G.
Protein change: p.Ile777Val; replaces isoleucine 777 with valine.
Molecular consequence: missense variant. On other transcripts: non-coding transcript variant (2).
Genome position (GRCh38, 1-based): chrX:24,741,487, A>G. VCF-style: chrX-24741487-A-G. GRCh37 (hg19) VCF-style: chrX-24759604-A-G.
Other names: c.2254A>G, p.Ile752Val (NM_001378303.1); c.2311A>G, p.Ile771Val (NM_016937.4); c.2311A>G (NM_016937.3); short protein forms I771V, I777V, I752V.
Identifiers: ClinVar variation 1897395 (VCV001897395.6), dbSNP rs1931653726, ClinGen allele CA412536246.